The following is an entry in ClinVar:

NM_181458.4(PAX3):c.509C>A (p.Ala170Asp)

Gene: PAX3 (paired box 3; minus strand). Cytogenetic location: 2q36.1.
Variant type: single nucleotide variant.
Coding change: c.509C>A on transcript NM_181458.4 (MANE Select); coding-DNA position 509, C replaced by A.
Protein change: p.Ala170Asp; replaces alanine 170 with aspartic acid.
Molecular consequence: missense variant.
Genome position (GRCh38, 1-based): chr2:222,294,244, G>T on the plus strand (C>A on the coding strand, the complement: PAX3 is on the minus strand). VCF-style: chr2-222294244-G-T. GRCh37 (hg19) VCF-style: chr2-223158963-G-T.
Other names: c.509C>A, p.Ala170Asp (NM_000438.6, NM_013942.5, NM_181457.4 and 3 more transcripts); c.506C>A, p.Ala169Asp (NM_001127366.3); short protein forms A170D, A169D.
Identifiers: ClinVar variation 2585308 (VCV002585308.1), dbSNP rs376921556, ClinGen allele CA66340333.

ClinVar aggregate classification (germline): Uncertain significance (1 of 4 stars; one submission).

Conditions:
Waardenburg syndrome type 1 (WS1). Also called: WAARDENBURG SYNDROME WITH DYSTOPIA CANTHORUM; Waardenburg Syndrome Type I. Identifiers: Orphanet 894, MedGen C1847800, MONDO:0008670, OMIM 193500.

Allele frequency attached by ClinVar (database versions not stated): TOPMed below 0.00001; gnomAD 0.00001; gnomAD exomes 0.00001; ESP Exome Variant Server 0.00008.
gnomAD v4.1: 16 of 1,614,062 alleles (0.00099%); highest among the groups gnomAD compares: Middle Eastern, 0.016%; no homozygotes.

Submission:

Neuberg Centre For Genomic Medicine, NCGM
Classification: Uncertain significance for Waardenburg syndrome type 1. Review status: criteria provided, single submitter. Criteria: ACMG Guidelines, 2015. Collection method: clinical testing. Allele origin: germline. Inheritance: Autosomal dominant inheritance. Affected: yes.
Comment: The missense variant c.509C>A (p.Ala170Asp) in PAX3 gene has not been reported previously as a pathogenic variant nor as a benign variant, to our knowledge. This variant is novel (not in any individuals) in gnomAD Exomes and 1000 Genomes. The amino acid Alanine at position 170 is changed to a Aspartic acid changing protein sequence and it might alter its composition and physico-chemical properties. In silico tools predict the variant to be tolerated. The residue is conserved across species. For these reasons, this variant has been classified as Uncertain Significance.